The following is an entry in ClinVar:

NM_000321.3(RB1):c.835A>C (p.Lys279Gln)

Gene: RB1 (RB transcriptional corepressor 1; plus strand). Cytogenetic location: 13q14.2.
Variant type: single nucleotide variant.
Coding change: c.835A>C on transcript NM_000321.3 (MANE Select); coding-DNA position 835, A replaced by C.
Protein change: p.Lys279Gln; replaces lysine 279 with glutamine.
Molecular consequence: missense variant.
Genome position (GRCh38, 1-based): chr13:48,362,931, A>C. VCF-style: chr13-48362931-A-C. GRCh37 (hg19) VCF-style: chr13-48937067-A-C.
Other names: c.835A>C, p.Lys279Gln (NM_001407165.1, NM_001407166.1); short protein forms K279Q.
Identifiers: ClinVar variation 4740759 (VCV004740759.1).
Genomic context (GRCh38, chr13:48,362,931, plus strand): 5'-AGGAGTGCACGGATAGCAAAACAACTAGAAAATGATACAAGAATTATTGAAGTTCTCTGT[A>C]AAGAACATGAATGTAATATAGATGAGGTAATTTAACTTCATGATTTCTTTAAAACAGTTA-3'
Protein context (NP_000312.2, residues 269-289): NDTRIIEVLC[Lys279Gln]EHECNIDEVK

ClinVar aggregate classification (germline): Uncertain significance (1 of 4 stars; one submission).

Conditions:
Retinoblastoma (RB1). Also called: RETINOBLASTOMA, SOMATIC. Identifiers: Orphanet 790, MedGen C0035335, MeSH D012175, MONDO:0008380, OMIM 180200, HP:0009919. Disease mechanism: loss of function. Inheritance: Both sporadic and heritable forms are tested..

Submission:

Labcorp Genetics (formerly Invitae), Labcorp
Classification: Uncertain significance for Retinoblastoma. Last evaluated: 2025-03-19. Review status: criteria provided, single submitter. Criteria: Invitae Variant Classification Sherloc (09022015). Collection method: clinical testing. Allele origin: germline.
Comment: This sequence change replaces lysine, which is basic and polar, with glutamine, which is neutral and polar, at codon 279 of the RB1 protein (p.Lys279Gln). This variant is not present in population databases (gnomAD no frequency). This variant has not been reported in the literature in individuals affected with RB1-related conditions. Invitae Evidence Modeling of protein sequence and biophysical properties (such as structural, functional, and spatial information, amino acid conservation, physicochemical variation, residue mobility, and thermodynamic stability) indicates that this missense variant is not expected to disrupt RB1 protein function with a negative predictive value of 80%. In summary, the available evidence is currently insufficient to determine the role of this variant in disease. Therefore, it has been classified as a Variant of Uncertain Significance.